The following is an entry in ClinVar:

NM_005751.5(AKAP9):c.5802T>G (p.Phe1934Leu)

Gene: AKAP9 (A-kinase anchoring protein 9; plus strand). Cytogenetic location: 7q21.2.
Variant type: single nucleotide variant.
Coding change: c.5802T>G on transcript NM_005751.5 (MANE Select); coding-DNA position 5802, T replaced by G.
Protein change: p.Phe1934Leu; replaces phenylalanine 1934 with leucine.
Molecular consequence: missense variant.
Genome position (GRCh38, 1-based): chr7:92,062,311, T>G. VCF-style: chr7-92062311-T-G. GRCh37 (hg19) VCF-style: chr7-91691625-T-G.
Other names: c.447T>G, p.Phe149Leu (NM_001379277.1); c.5802T>G, p.Phe1934Leu (NM_147185.3); short protein forms F149L, F1934L.
Identifiers: ClinVar variation 4264908 (VCV004264908.1).
Genomic context (GRCh38, chr7:92,062,311, plus strand): 5'-TTTCTGTTAATTTTGTATTATAGGCGTCATTGATGGCTATGCAGATGAAAAAACTCTTTT[T>G]GAAAGGCAAATTCAGGAAAAAACTGATATAATAGATCGTCTTGAGCAGGAGTTGTTATGT-3'
Protein context (NP_005742.4, residues 1924-1944): IDGYADEKTL[Phe1934Leu]ERQIQEKTDI

ClinVar aggregate classification (germline): Uncertain significance (1 of 4 stars; one submission).

Conditions:
Cardiovascular phenotype. Identifiers: MedGen CN230736.

gnomAD v4.1: 1 of 1,613,658 alleles (0.000062%); highest among the groups gnomAD compares: African/African-American, 0.0013%; no homozygotes.

Submission:

Ambry Genetics
Classification: Uncertain significance for Cardiovascular phenotype. Last evaluated: 2025-06-16. Review status: criteria provided, single submitter. Criteria: Ambry Variant Classification Scheme 2023. Collection method: clinical testing. Allele origin: germline.
Comment: The p.F1934L variant (also known as c.5802T>G), located in coding exon 24 of the AKAP9 gene, results from a T to G substitution at nucleotide position 5802. The phenylalanine at codon 1934 is replaced by leucine, an amino acid with highly similar properties. This amino acid position is conserved. In addition, this alteration is predicted to be tolerated by in silico analysis. Based on the available evidence, the clinical significance of this variant remains unclear.